The following is an entry in ClinVar:

NM_005732.4(RAD50):c.1892A>C (p.Asp631Ala)

Gene: RAD50 (RAD50 double strand break repair protein; plus strand). Cytogenetic location: 5q31.1.
Variant type: single nucleotide variant.
Coding change: c.1892A>C on transcript NM_005732.4 (MANE Select); coding-DNA position 1892, A replaced by C.
Protein change: p.Asp631Ala; replaces aspartic acid 631 with alanine.
Molecular consequence: missense variant.
Genome position (GRCh38, 1-based): chr5:132,594,967, A>C. VCF-style: chr5-132594967-A-C. GRCh37 (hg19) VCF-style: chr5-131930659-A-C.
Other names: short protein forms D631A.
Identifiers: ClinVar variation 3022102 (VCV003022102.3), dbSNP rs1372866109, ClinGen allele CA360948035.
Genomic context (GRCh38, chr5:132,594,967, plus strand): 5'-TAAATAATGAACTAAAAAGAAAGGAAGAGCAGTTGTCCAGTTACGAAGACAAGCTGTTTG[A>C]TGTTTGTGGTAGCCAGGATTTTGAAAGTGATTTAGACAGGCTTAAAGAGGAAATTGAAAA-3'
Protein context (NP_005723.2, residues 621-641): QLSSYEDKLF[Asp631Ala]VCGSQDFESD

ClinVar aggregate classification (germline): Uncertain significance (1 of 4 stars; one submission).

Conditions:
Hereditary cancer-predisposing syndrome. Also called: Tumor predisposition; Hereditary neoplastic syndrome; Hereditary Cancer Syndrome; Neoplastic Syndromes, Hereditary. Identifiers: Orphanet 140162, MedGen C0027672, MeSH D009386, MONDO:0015356.

Submission:

Labcorp Genetics (formerly Invitae), Labcorp
Classification: Uncertain significance for Hereditary cancer-predisposing syndrome. Last evaluated: 2023-03-06. Review status: criteria provided, single submitter. Criteria: Invitae Variant Classification Sherloc (09022015). Collection method: clinical testing. Allele origin: germline.
Comment: This sequence change replaces aspartic acid, which is acidic and polar, with alanine, which is neutral and non-polar, at codon 631 of the RAD50 protein (p.Asp631Ala). This variant is not present in population databases (gnomAD no frequency). This variant has not been reported in the literature in individuals affected with RAD50-related conditions. Advanced modeling of protein sequence and biophysical properties (such as structural, functional, and spatial information, amino acid conservation, physicochemical variation, residue mobility, and thermodynamic stability) performed at Invitae indicates that this missense variant is not expected to disrupt RAD50 protein function. In summary, the available evidence is currently insufficient to determine the role of this variant in disease. Therefore, it has been classified as a Variant of Uncertain Significance.